The following is an entry in ClinVar:

ClinVar aggregate classification (germline): Uncertain significance. Review status: criteria provided, multiple submitters, no conflicts (2 of 4 stars). 3 submissions from 3 submitters: Uncertain significance (3). Last evaluated 2026-05-29.

Conditions:
Hereditary cancer-predisposing syndrome. Also called: Neoplastic Syndromes, Hereditary; Tumor predisposition; Hereditary Cancer Syndrome; Hereditary neoplastic syndrome. Identifiers: Orphanet 140162, MedGen C0027672, MeSH D009386, MONDO:0015356.
Hereditary nonpolyposis colorectal neoplasms. Identifiers: MedGen C0009405, MeSH D003123.

Allele frequency attached by ClinVar (database versions not stated): gnomAD 0.00001.
gnomAD v4.1: 1 of 1,613,892 alleles (0.000062%); highest among the groups gnomAD compares: South Asian, 0.0011%; no homozygotes.

Submissions (3):

Women's Health and Genetics/Laboratory Corporation of America, LabCorp
Classification: Uncertain significance. Last evaluated: 2026-05-29. Review status: criteria provided, single submitter. Criteria: LabCorp Variant Classification Summary - May 2015. Collection method: clinical testing. Allele origin: germline.
Comment: Variant summary: MSH6 c.1538T>G (p.Ile513Ser) results in a non-conservative amino acid change in the encoded protein sequence. Algorithms developed to predict the effect of missense changes on protein structure and function all suggest that this variant is likely to be disruptive. The variant allele was found at a frequency of 4e-06 in 251282 control chromosomes. The available data on variant occurrences in the general population are insufficient to allow any conclusion about variant significance. To our knowledge, no occurrence of c.1538T>G in individuals affected with MSH6-related conditions and no experimental evidence demonstrating its impact on protein function have been reported. ClinVar contains an entry for this variant (Variation ID: 1774765). Based on the evidence outlined above, the variant was classified as uncertain significance.

Labcorp Genetics (formerly Invitae), Labcorp
Classification: Uncertain significance for Hereditary nonpolyposis colorectal neoplasms. Last evaluated: 2024-09-14. Review status: criteria provided, single submitter. Criteria: Invitae Variant Classification Sherloc (09022015). Collection method: clinical testing. Allele origin: germline.
Comment: This sequence change replaces isoleucine, which is neutral and non-polar, with serine, which is neutral and polar, at codon 513 of the MSH6 protein (p.Ile513Ser). This variant is present in population databases (no rsID available, gnomAD 0.003%). This variant has not been reported in the literature in individuals affected with MSH6-related conditions. ClinVar contains an entry for this variant (Variation ID: 1774765). Invitae Evidence Modeling of protein sequence and biophysical properties (such as structural, functional, and spatial information, amino acid conservation, physicochemical variation, residue mobility, and thermodynamic stability) has been performed for this missense variant. However, the output from this modeling did not meet the statistical confidence thresholds required to predict the impact of this variant on MSH6 protein function. In summary, the available evidence is currently insufficient to determine the role of this variant in disease. Therefore, it has been classified as a Variant of Uncertain Significance.

Ambry Genetics
Classification: Uncertain significance for Hereditary cancer-predisposing syndrome. Last evaluated: 2018-04-10. Review status: criteria provided, single submitter. Criteria: Ambry Variant Classification Scheme 2023. Collection method: clinical testing. Allele origin: germline.
Comment: The p.I513S variant (also known as c.1538T>G), located in coding exon 4 of the MSH6 gene, results from a T to G substitution at nucleotide position 1538. The isoleucine at codon 513 is replaced by serine, an amino acid with dissimilar properties. This amino acid position is not well conserved in available vertebrate species. In addition, this alteration is predicted to be deleterious by in silico analysis. In addition, the CoDP in silico tool predicts this alteration to likely impair molecular function, with a score of 0.911 (Terui H et al. J. Biomed. Sci. 2013 Apr;20:25). Since supporting evidence is limited at this time, the clinical significance of this alteration remains unclear.

NM_000179.3(MSH6):c.1538T>G (p.Ile513Ser)

Gene: MSH6 (mutS homolog 6; plus strand). Cytogenetic location: 2p16.3.
Variant type: single nucleotide variant.
Coding change: c.1538T>G on transcript NM_000179.3 (MANE Select); coding-DNA position 1538, T replaced by G.
Protein change: p.Ile513Ser; replaces isoleucine 513 with serine.
Molecular consequence: missense variant.
Genome position (GRCh38, 1-based): chr2:47,799,521, T>G. VCF-style: chr2-47799521-T-G. GRCh37 (hg19) VCF-style: chr2-48026660-T-G.
Other names: c.1148T>G, p.Ile383Ser (NM_001281492.2); c.632T>G, p.Ile211Ser (NM_001281493.2, NM_001281494.2, NM_001406823.1 and 6 more transcripts); c.1634T>G, p.Ile545Ser (NM_001406795.1, NM_001406802.1); c.1538T>G, p.Ile513Ser (NM_001406796.1, NM_001406798.1, NM_001406800.1 and 4 more transcripts); c.1241T>G, p.Ile414Ser (NM_001406797.1, NM_001406801.1, NM_001406805.1 and 10 more transcripts); c.1013T>G, p.Ile338Ser (NM_001406799.1, NM_001406806.1, NM_001406807.1); c.1460T>G, p.Ile487Ser (NM_001406804.1); c.1370T>G, p.Ile457Ser (NM_001406826.1); and 1 more; short protein forms I383S, I487S, I515S, I545S, I338S, I457S, I513S, I211S.
Identifiers: ClinVar variation 1774765 (VCV001774765.6), dbSNP rs1060502908, ClinGen allele CA346746582.
Genomic context (GRCh38, chr2:47,799,521, plus strand): 5'-AGGCACGATGTAGAAAGATGGCACATATATCCAAGTATGATAGAGTGGTGAGGAGGGAGA[T>G]CTGTAGGATCATTACCAAGGGTACACAGACTTACAGTGTGCTGGAAGGTGATCCCTCTGA-3'
Protein context (NP_000170.1, residues 503-523): SKYDRVVRRE[Ile513Ser]CRIITKGTQT